The following is an entry in ClinVar:

NM_014028.4(OSTM1):c.*2138G>T

Gene: OSTM1 (osteoclastogenesis associated transmembrane protein 1; minus strand). Cytogenetic location: 6q21.
Variant type: single nucleotide variant.
Coding change: c.*2138G>T on transcript NM_014028.4 (MANE Select); 2138 bases downstream of the stop codon, G replaced by T.
Molecular consequence: 3 prime UTR variant.
Genome position (GRCh38, 1-based): chr6:108,042,647, C>A on the plus strand (G>T on the coding strand, the complement: OSTM1 is on the minus strand). VCF-style: chr6-108042647-C-A. GRCh37 (hg19) VCF-style: chr6-108363851-C-A.
Identifiers: ClinVar variation 354950 (VCV000354950.5), dbSNP rs115370044, ClinGen allele CA10625571.

ClinVar aggregate classification (germline): Benign (1 of 4 stars; one submission).

Conditions:
Autosomal recessive osteopetrosis 5. Identifiers: Orphanet 85179, MedGen C1968603, MONDO:0009817, OMIM 259720.

Allele frequency attached by ClinVar (database versions not stated): 1000 Genomes Project 30x 0.00703; 1000 Genomes Project 0.00739; gnomAD 0.00781 and 0.00824; TOPMed 0.00914.

Submission:

Illumina Laboratory Services, Illumina
Classification: Benign for Autosomal recessive osteopetrosis 5. Last evaluated: 2018-01-12. Review status: criteria provided, single submitter. Criteria: ICSL Variant Classification Criteria 13 December 2019. Collection method: clinical testing. Allele origin: germline.
Comment: This variant was observed in the ICSL laboratory as part of a predisposition screen in an ostensibly healthy population. It had not been previously curated by ICSL or reported in the Human Gene Mutation Database (HGMD: prior to June 1st, 2018), and was therefore a candidate for classification through an automated scoring system. Utilizing variant allele frequency, disease prevalence and penetrance estimates, and inheritance mode, an automated score was calculated to assess if this variant is too frequent to cause the disease. Based on the score and internal cut-off values, a variant classified as benign is not then subjected to further curation. The score for this variant resulted in a classification of benign for this disease.